The following is an entry in ClinVar:

ClinVar aggregate classification (germline): Uncertain significance (1 of 4 stars; one submission).

Conditions:
Hereditary nonpolyposis colorectal neoplasms. Identifiers: MedGen C0009405, MeSH D003123.

Submission:

Labcorp Genetics (formerly Invitae), Labcorp
Classification: Uncertain significance for Hereditary nonpolyposis colorectal neoplasms. Last evaluated: 2020-11-26. Review status: criteria provided, single submitter. Criteria: Invitae Variant Classification Sherloc (09022015). Collection method: clinical testing. Allele origin: germline.
Comment: Experimental studies and prediction algorithms are not available or were not evaluated, and the functional significance of this variant is currently unknown. In summary, the available evidence is currently insufficient to determine the role of this variant in disease. Therefore, it has been classified as a Variant of Uncertain Significance. This variant has not been reported in the literature in individuals with PMS2-related conditions. The frequency data for this variant in the population databases is not available, as this variant may be reported as separate entries in the ExAC database. This sequence change replaces alanine with serine at codon 353 of the PMS2 protein (p.Ala353Ser). The alanine residue is highly conserved and there is a moderate physicochemical difference between alanine and serine.

NM_000535.7(PMS2):c.1056_1057delinsAT (p.Ala353Ser)

Gene: PMS2 (PMS1 homolog 2, mismatch repair system component; minus strand). Cytogenetic location: 7p22.1.
Variant type: Indel.
Coding change: c.1056_1057delinsAT on transcript NM_000535.7 (MANE Select); coding-DNA positions 1056 to 1057, GG replaced by AT.
Protein change: p.Ala353Ser; replaces alanine 353 with serine.
Molecular consequence: missense variant. On other transcripts: non-coding transcript variant (1), intron variant (2).
Genome position (GRCh38, 1-based): chr7:5,989,887-5,989,888, CC replaced by AT on the plus strand (GG replaced by AT on the coding strand, the reverse complement: PMS2 is on the minus strand). VCF-style: chr7-5989887-CC-AT. GRCh37 (hg19) VCF-style: chr7-6029518-CC-AT.
Other names: c.651_652delinsAT, p.Ala218Ser (NM_001322003.2, NM_001322004.2, NM_001322005.2 and 1 more transcripts); c.738_739delinsAT, p.Ala247Ser (NM_001322007.2, NM_001322008.2); c.123_124delinsAT, p.Ala42Ser (NM_001322011.2, NM_001322012.2); c.483_484delinsAT, p.Ala162Ser (NM_001322013.2); c.1056_1057delinsAT, p.Ala353Ser (NM_001322014.2); c.747_748delinsAT, p.Ala250Ser (NM_001322015.2); c.583+2085_583+2086delinsAT (NM_001322010.2); c.988+2085_988+2086delinsAT (NM_001322006.2); short protein forms A218S, A42S, A162S, A247S, A353S, A250S.
Identifiers: ClinVar variation 1351685 (VCV001351685.6), dbSNP rs2128748122, ClinGen allele CA2573141979.
Genomic context (GRCh38, chr7:5,989,887, plus strand): 5'-TGACATTTAGCTTGTTGACATCACTATCAAACATTCCTATCAAAGAGGTCTTTAAAACTG[CC>AT]AACAAAAGCTTTTCCTCTTGTAGCAAAATTTGCCTTTTATCTGGAGTAACATTGATATCA-3'
Protein context (NP_000526.2, residues 343-363): ILLQEEKLLL[Ala353Ser]VLKTSLIGMF